The following is an entry in ClinVar:

ClinVar aggregate classification (germline): Conflicting classifications of pathogenicity. Review status: criteria provided, conflicting classifications (1 of 4 stars). 2 submissions from 2 submitters: Likely pathogenic (1); Uncertain significance (1). Last evaluated 2026-09-08.

Conditions:
Fabry disease. Also called: Fabry's disease; GLA DEFICIENCY; HEREDITARY DYSTOPIC LIPIDOSIS; ANDERSON-FABRY DISEASE; CERAMIDE TRIHEXOSIDASE DEFICIENCY; Ceramide trihexosidosis. Identifiers: Orphanet 324, MedGen C0002986, MONDO:0010526, OMIM 301500, HP:0001071. Disease mechanism: loss of function, Fabry disease is due to inactivating mutations in the X-linked GLA gene resulting in deficiency of the enzyme Alpha Galactosidase-A..

Submissions (2):

Genomenon, Inc
Classification: Uncertain significance for Fabry disease. Last evaluated: 2026-09-08. Review status: criteria provided, single submitter. Criteria: Genomenon Sequence Variant Interpretation Standards - Updated. Collection method: curation. Allele origin: germline. Affected: yes.
Comment: GLA p.Leu120Val (c.358C>G) is a missense variant that changes the amino acid at codon 120 from Leucine to Valine. This variant has been observed in at least one proband with clinical features consistent with Fabry disease (PMID:19621417). Functional or patient cell studies have been reported (PMID:32023956;36499585;19621417;23935525;20864368;27657681;23826564;38739391). Splicing studies have been reported (PMID:36499585). It is absent or not present at a significant frequency in gnomAD. In silico models predict that this variant is possibly or probably damaging. In conclusion, we classify GLA p.Leu120Val (c.358C>G) as a variant of uncertain significance.

Labcorp Genetics (formerly Invitae), Labcorp
Classification: Likely pathogenic for Fabry disease. Last evaluated: 2022-10-10. Review status: criteria provided, single submitter. Criteria: Invitae Variant Classification Sherloc (09022015). Collection method: clinical testing. Allele origin: germline.
Comment: Algorithms developed to predict the effect of sequence changes on RNA splicing suggest that this variant may create or strengthen a splice site. Experimental studies have shown that this missense change affects GLA function (PMID: 19621417, 23935525). Advanced modeling of protein sequence and biophysical properties (such as structural, functional, and spatial information, amino acid conservation, physicochemical variation, residue mobility, and thermodynamic stability) performed at Invitae indicates that this missense variant is not expected to disrupt GLA protein function. This missense change has been observed in individual(s) with clinical features of Fabry disease (PMID: 19621417; Invitae). This variant is not present in population databases (gnomAD no frequency). This sequence change replaces leucine, which is neutral and non-polar, with valine, which is neutral and non-polar, at codon 120 of the GLA protein (p.Leu120Val). In summary, the currently available evidence indicates that the variant is pathogenic, but additional data are needed to prove that conclusively. Therefore, this variant has been classified as Likely Pathogenic.

Literature cited by the submitters: PubMed 19621417 (cited by Genomenon, Inc and Labcorp Genetics (formerly Invitae), Labcorp); PubMed 32023956 (cited by Genomenon, Inc); PubMed 36499585 (cited by Genomenon, Inc); PubMed 23935525 (cited by Genomenon, Inc and Labcorp Genetics (formerly Invitae), Labcorp); PubMed 20864368 (cited by Genomenon, Inc); PubMed 27657681 (cited by Genomenon, Inc); PubMed 23826564 (cited by Genomenon, Inc); PubMed 38739391 (cited by Genomenon, Inc).

NM_000169.3(GLA):c.358C>G (p.Leu120Val)

Genes: GLA (galactosidase alpha; minus strand), RPL36A-HNRNPH2 (RPL36A-HNRNPH2 readthrough; plus strand). Cytogenetic location: Xq22.1.
Variant type: single nucleotide variant.
Coding change: c.358C>G on transcript NM_000169.3 (MANE Select); coding-DNA position 358, C replaced by G.
Protein change: p.Leu120Val; replaces leucine 120 with valine.
Molecular consequence: missense variant. On other transcripts: non-coding transcript variant (3), intron variant (2).
Genome position (GRCh38, 1-based): chrX:101,403,822, G>C on the plus strand (C>G on the coding strand, the complement: GLA is on the minus strand). VCF-style: chrX-101403822-G-C. GRCh37 (hg19) VCF-style: chrX-100658810-G-C.
Other names: c.481C>G, p.Leu161Val (NM_001406747.1, NM_001406749.1); c.358C>G, p.Leu120Val (NM_001406748.1); c.301-8114G>C (NM_001199973.2); c.178-8114G>C (NM_001199974.2); short protein forms L161V, L120V.
Identifiers: ClinVar variation 2138668 (VCV002138668.6), dbSNP rs2520911966, ClinGen allele CA413932816.
Genomic context (GRCh38, chrX:101,403,822, plus strand): 5'-AAGTGCTTACAGTCCTCTGAATGAACAAGAACATTATCTATAAACTCACATAATTAGCTA[G>C]CTGGCGAATCCCATGAGGAAAGCGCTGAGGGTCTGCCTGAAGTCTGCCTTCTGAATCTCT-3'
Protein context (NP_000160.1, residues 110-130): PQRFPHGIRQ[Leu120Val]ANYVHSKGLK